The following is an entry in ClinVar:

ClinVar aggregate classification (germline): Uncertain significance (1 of 4 stars; one submission).

Conditions:
Multiple congenital anomalies-hypotonia-seizures syndrome 2 (MCAHS2). Also called: EPILEPTIC ENCEPHALOPATHY, EARLY INFANTILE, 20; GLYCOSYLPHOSPHATIDYLINOSITOL BIOSYNTHESIS DEFECT 4. Identifiers: Orphanet 300496, MedGen C3275508, MONDO:0010466, OMIM 300868.

Allele frequency attached by ClinVar (database versions not stated): gnomAD exomes below 0.00001.

Submission:

Labcorp Genetics (formerly Invitae), Labcorp
Classification: Uncertain significance for Multiple congenital anomalies-hypotonia-seizures syndrome 2. Last evaluated: 2024-10-15. Review status: criteria provided, single submitter. Criteria: Invitae Variant Classification Sherloc (09022015). Collection method: clinical testing. Allele origin: germline.
Comment: This sequence change replaces alanine, which is neutral and non-polar, with threonine, which is neutral and polar, at codon 196 of the PIGA protein (p.Ala196Thr). This variant is not present in population databases (gnomAD no frequency). This variant has not been reported in the literature in individuals affected with PIGA-related conditions. ClinVar contains an entry for this variant (Variation ID: 2071223). Invitae Evidence Modeling of protein sequence and biophysical properties (such as structural, functional, and spatial information, amino acid conservation, physicochemical variation, residue mobility, and thermodynamic stability) has been performed for this missense variant. However, the output from this modeling did not meet the statistical confidence thresholds required to predict the impact of this variant on PIGA protein function. In summary, the available evidence is currently insufficient to determine the role of this variant in disease. Therefore, it has been classified as a Variant of Uncertain Significance.

NM_002641.4(PIGA):c.586G>A (p.Ala196Thr)

Gene: PIGA (phosphatidylinositol glycan anchor biosynthesis class A; minus strand). Cytogenetic location: Xp22.2.
Variant type: single nucleotide variant.
Coding change: c.586G>A on transcript NM_002641.4 (MANE Select); coding-DNA position 586, G replaced by A.
Protein change: p.Ala196Thr; replaces alanine 196 with threonine.
Molecular consequence: missense variant. On other transcripts: intron variant (1).
Genome position (GRCh38, 1-based): chrX:15,331,345, C>T on the plus strand (G>A on the coding strand, the complement: PIGA is on the minus strand). VCF-style: chrX-15331345-C-T. GRCh37 (hg19) VCF-style: chrX-15349467-C-T.
Other names: c.13+4156G>A (NM_020473.3); short protein forms A196T.
Identifiers: ClinVar variation 2071223 (VCV002071223.4), dbSNP rs2519331379, ClinGen allele CA412339016.